The following is an entry in ClinVar:

NM_022095.4(ZNF335):c.881G>C (p.Ser294Thr)

Gene: ZNF335 (zinc finger protein 335; minus strand). Cytogenetic location: 20q13.12.
Variant type: single nucleotide variant.
Coding change: c.881G>C on transcript NM_022095.4 (MANE Select); coding-DNA position 881, G replaced by C.
Protein change: p.Ser294Thr; replaces serine 294 with threonine.
Molecular consequence: missense variant.
Genome position (GRCh38, 1-based): chr20:45,967,568, C>G on the plus strand (G>C on the coding strand, the complement: ZNF335 is on the minus strand). VCF-style: chr20-45967568-C-G. GRCh37 (hg19) VCF-style: chr20-44596207-C-G.
Other names: short protein forms S294T.
Identifiers: ClinVar variation 130810 (VCV000130810.19), dbSNP rs6032606, ClinGen allele CA156103.

ClinVar aggregate classification (germline): Benign. Review status: criteria provided, multiple submitters, no conflicts (2 of 4 stars). 6 submissions from 6 submitters: Benign (5). 1 of the submissions does not count toward it. Last evaluated 2026-02-03.

Conditions:
Microcephalic primordial dwarfism due to ZNF335 deficiency. Also called: Primary autosomal recessive microcephaly 10. Identifiers: Orphanet 329228, MedGen C3554499, MONDO:0014043, OMIM 615095.

Allele frequency attached by ClinVar (database versions not stated): 1000 Genomes Project 0.77776; 1000 Genomes Project 30x 0.78201; gnomAD exomes 0.83912 and 0.91300; ExAC 0.84930; TOPMed 0.87400; gnomAD 0.88895 and 0.89832; ESP Exome Variant Server 0.92450.
gnomAD v4.1: 1,469,137 of 1,613,896 alleles (91%); highest among the groups gnomAD compares: Non-Finnish European, 95%; 677,176 homozygotes.

Submissions (6):

Labcorp Genetics (formerly Invitae), Labcorp
Classification: Benign. Last evaluated: 2026-02-03. Review status: criteria provided, single submitter. Criteria: Invitae Variant Classification Sherloc (09022015). Collection method: clinical testing. Allele origin: germline.

Blueprint Genetics
Classification: Benign. Last evaluated: 2024-11-28. Review status: criteria provided, single submitter. Criteria: ACMG Guidelines, 2015. Collection method: clinical testing. Allele origin: germline.

Genome-Nilou Lab
Classification: Benign for Microcephalic primordial dwarfism due to ZNF335 deficiency. Last evaluated: 2021-12-05. Review status: criteria provided, single submitter. Criteria: ACMG Guidelines, 2015. Collection method: clinical testing. Allele origin: germline. Affected: no.

GeneDx
Classification: Benign. Last evaluated: 2018-07-07. Review status: criteria provided, single submitter. Criteria: GeneDx Variant Classification Process June 2021. Collection method: clinical testing. Allele origin: germline. Affected: yes.

Breakthrough Genomics
Classification: Benign. Review status: criteria provided, single submitter. Criteria: ACMG Guidelines, 2015. Collection method: not provided. Allele origin: germline. Inheritance: Autosomal recessive inheritance. Affected: yes.

Genetic Services Laboratory, University of Chicago
Classification: Likely benign for AllHighlyPenetrant. Review status: no assertion criteria provided. Collection method: clinical testing. Allele origin: germline. Inheritance: Autosomal recessive inheritance. Not counted in ClinVar's aggregate classification.
Comment: Likely benign based on allele frequency in 1000 Genomes Project or ESP global frequency and its presence in a patient with a rare or unrelated disease phenotype. NOT Sanger confirmed.